The following is an entry in ClinVar:

NM_001365951.3(KIF1B):c.2035del (p.Glu679fs)

Gene: KIF1B (kinesin family member 1B; plus strand). Cytogenetic location: 1p36.22.
Variant type: Deletion.
Coding change: c.2035del on transcript NM_001365951.3 (MANE Select); coding-DNA position 2035, one base deleted (G; older notation c.2035delG).
Protein change: p.Glu679fs; shifts the reading frame from glutamic acid 679.
Molecular consequence: frameshift variant.
Genome position (GRCh38, 1-based): chr1:10,297,070, G deleted; the last of 2 consecutive G bases (chr1:10,297,069-10,297,070); deleting either gives the same sequence. VCF-style (leftmost placement, unchanged base first): chr1-10297068-TG-T. GRCh37 (hg19) VCF-style: chr1-10357126-TG-T.
Other names: c.2035del, p.Glu679fs (NM_001365952.1); c.1897del, p.Glu633fs (NM_001365953.1, NM_015074.3, NM_183416.4); short protein forms E679fs, E633fs.
Identifiers: ClinVar variation 4726137 (VCV004726137.1).

ClinVar aggregate classification (germline): Uncertain significance (1 of 4 stars; one submission).

Conditions:
Charcot-Marie-Tooth disease type 2. Also called: Charcot-Marie-Tooth type 2. Identifiers: Orphanet 64746, MedGen C0270914, MONDO:0018993.

Submission:

Labcorp Genetics (formerly Invitae), Labcorp
Classification: Uncertain significance for Charcot-Marie-Tooth disease type 2. Last evaluated: 2025-08-27. Review status: criteria provided, single submitter. Criteria: Invitae Variant Classification Sherloc (09022015). Collection method: clinical testing. Allele origin: germline.
Comment: This sequence change creates a premature translational stop signal (p.Glu633Argfs*95) in the KIF1B gene. It is expected to result in an absent or disrupted protein product. However, the current clinical and genetic evidence is not sufficient to establish whether loss-of-function variants in KIF1B cause disease. This variant is not present in population databases (gnomAD no frequency). This variant has not been reported in the literature in individuals affected with KIF1B-related conditions. In summary, the available evidence is currently insufficient to determine the role of this variant in disease. Therefore, it has been classified as a Variant of Uncertain Significance.